The following is an entry in ClinVar:

ClinVar aggregate classification (germline): Uncertain significance. Review status: criteria provided, multiple submitters, no conflicts (2 of 4 stars). 3 submissions from 3 submitters: Uncertain significance (3). Last evaluated 2025-04-12.

Conditions:
Inborn genetic diseases. Identifiers: MedGen C0950123, MeSH D030342.

Allele frequency attached by ClinVar (database versions not stated): TOPMed 0.00002.
gnomAD v4.1: 7 of 1,614,234 alleles (0.00043%); highest among the groups gnomAD compares: Admixed American, 0.012%; no homozygotes.

Submissions (3):

Ambry Genetics
Classification: Uncertain significance for Inborn genetic diseases. Last evaluated: 2025-04-12. Review status: criteria provided, single submitter. Criteria: Ambry Variant Classification Scheme 2023. Collection method: clinical testing. Allele origin: germline.

Women's Health and Genetics/Laboratory Corporation of America, LabCorp
Classification: Uncertain significance. Last evaluated: 2024-07-03. Review status: criteria provided, single submitter. Criteria: LabCorp Variant Classification Summary - May 2015. Collection method: clinical testing. Allele origin: germline.
Comment: Variant summary: DUOX2 c.1315C>G (p.Pro439Ala) results in a non-conservative amino acid change located in the FAD-binding 8 domain (IPR013112) of the encoded protein sequence. Four of five in-silico tools predict a damaging effect of the variant on protein function. The variant allele was found at a frequency of 4e-06 in 251466 control chromosomes. The available data on variant occurrences in the general population are insufficient to allow any conclusion about variant significance. To our knowledge, no occurrence of c.1315C>G in individuals affected with Thyroid Dyshormonogenesis 6 and no experimental evidence demonstrating its impact on protein function have been reported. ClinVar contains an entry for this variant (Variation ID: 1392526). Based on the evidence outlined above, the variant was classified as uncertain significance.

Labcorp Genetics (formerly Invitae), Labcorp
Classification: Uncertain significance. Last evaluated: 2021-10-10. Review status: criteria provided, single submitter. Criteria: Invitae Variant Classification Sherloc (09022015). Collection method: clinical testing. Allele origin: germline.
Comment: This sequence change replaces proline with alanine at codon 439 of the DUOX2 protein (p.Pro439Ala). The proline residue is highly conserved and there is a small physicochemical difference between proline and alanine. This variant is not present in population databases (ExAC no frequency). This variant has not been reported in the literature in individuals affected with DUOX2-related conditions. Advanced modeling of protein sequence and biophysical properties (such as structural, functional, and spatial information, amino acid conservation, physicochemical variation, residue mobility, and thermodynamic stability) performed at Invitae indicates that this missense variant is not expected to disrupt DUOX2 protein function. In summary, the available evidence is currently insufficient to determine the role of this variant in disease. Therefore, it has been classified as a Variant of Uncertain Significance.

NM_001363711.2(DUOX2):c.1315C>G (p.Pro439Ala)

Gene: DUOX2 (dual oxidase 2; minus strand). Cytogenetic location: 15q21.1.
Variant type: single nucleotide variant.
Coding change: c.1315C>G on transcript NM_001363711.2 (MANE Select); coding-DNA position 1315, C replaced by G.
Protein change: p.Pro439Ala; replaces proline 439 with alanine.
Molecular consequence: missense variant.
Genome position (GRCh38, 1-based): chr15:45,108,872, G>C on the plus strand (C>G on the coding strand, the complement: DUOX2 is on the minus strand). VCF-style: chr15-45108872-G-C. GRCh37 (hg19) VCF-style: chr15-45401070-G-C.
Other names: c.1315C>G, p.Pro439Ala (NM_014080.5); c.1315C>G (NM_014080.4); short protein forms P439A.
Identifiers: ClinVar variation 1392526 (VCV001392526.5), dbSNP rs781544455, ClinGen allele CA392276898.